The following is an entry in ClinVar:

ClinVar aggregate classification (germline): Uncertain significance (1 of 4 stars; one submission).

Allele frequency attached by ClinVar (database versions not stated): TOPMed below 0.00001; ExAC 0.00001.
gnomAD v4.1: 45 of 1,611,854 alleles (0.0028%); highest among the groups gnomAD compares: Non-Finnish European, 0.0038%; no homozygotes.

Submission:

GeneDx
Classification: Uncertain significance. Last evaluated: 2023-07-19. Review status: criteria provided, single submitter. Criteria: GeneDx Variant Classification Process June 2021. Collection method: clinical testing. Allele origin: germline. Affected: yes.
Comment: Observed with a missense variant (p.G1061A) on the opposite allele (in trans) in a patient with developmental delay, microcephaly, ventriculomegaly, hypoplasia of the inferior cerebellar vermis, increased muscle tone, and dysmorphic features in the published literature (Harris et al., 2023); In silico analysis supports that this missense variant does not alter protein structure/function; Not observed at significant frequency in large population cohorts (gnomAD); This variant is associated with the following publications: (PMID: 36826837)

NM_152730.6(TBC1D32):c.2134A>G (p.Asn712Asp)

Gene: TBC1D32 (TBC1 domain family member 32; minus strand). Cytogenetic location: 6q22.31.
Variant type: single nucleotide variant.
Coding change: c.2134A>G on transcript NM_152730.6 (MANE Select); coding-DNA position 2134, A replaced by G.
Protein change: p.Asn712Asp; replaces asparagine 712 with aspartic acid.
Molecular consequence: missense variant. On other transcripts: non-coding transcript variant (1).
Genome position (GRCh38, 1-based): chr6:121,242,224, T>C on the plus strand (A>G on the coding strand, the complement: TBC1D32 is on the minus strand). VCF-style: chr6-121242224-T-C. GRCh37 (hg19) VCF-style: chr6-121563370-T-C.
Other names: c.2134A>G, p.Asn712Asp (NM_001367759.1, NM_001367760.1); short protein forms N712D.
Identifiers: ClinVar variation 3253509 (VCV003253509.1), dbSNP rs776711519.
Genomic context (GRCh38, chr6:121,242,224, plus strand): 5'-AAAATTCCCTTTGCCTTTGGCAGATGGTAATTCATACCTGTAATTTTTTTGCATATCGAT[T>C]GAATATAAATGTCACACATTCATTGATAGCACCTGTTCTTTGAAGAAGTAGTAATCCTTT-3'
Protein context (NP_689943.4, residues 702-722): AINECVTFIF[Asn712Asp]RYAKKLQVSR